The following is an entry in ClinVar:

ClinVar aggregate classification (germline): Conflicting classifications of pathogenicity. Review status: criteria provided, conflicting classifications (1 of 4 stars). 6 submissions from 6 submitters: Uncertain significance (5); Likely benign (1). Last evaluated 2026-04-13.

Conditions:
Classic or attenuated familial adenomatous polyposis. Identifiers: MedGen CN372698, MONDO:0021057.
Hereditary cancer-predisposing syndrome. Also called: Neoplastic Syndromes, Hereditary; Hereditary Cancer Syndrome; Tumor predisposition; Hereditary neoplastic syndrome. Identifiers: Orphanet 140162, MedGen C0027672, MeSH D009386, MONDO:0015356.
Familial adenomatous polyposis 1 (FAP1). Also called: FAMILIAL ADENOMATOUS POLYPOSIS 1, ATTENUATED; POLYPOSIS, ADENOMATOUS INTESTINAL. Identifiers: MedGen C2713442, MONDO:0021056, OMIM 175100. Disease mechanism: loss of function.

Allele frequency attached by ClinVar (database versions not stated): gnomAD exomes 0.00001 and 0.00002; gnomAD 0.00001; TOPMed 0.00002; ESP Exome Variant Server 0.00008; ExAC 0.00002.
gnomAD v4.1: 31 of 1,613,608 alleles (0.0019%); highest among the groups gnomAD compares: African/African-American, 0.0027%; no homozygotes.

Submissions (6):

Ambry Genetics
Classification: Likely benign for Hereditary cancer-predisposing syndrome. Last evaluated: 2026-04-13. Review status: criteria provided, single submitter. Criteria: Ambry Variant Classification Scheme 2023. Collection method: clinical testing. Allele origin: germline.

Labcorp Genetics (formerly Invitae), Labcorp
Classification: Uncertain significance for Familial adenomatous polyposis 1. Last evaluated: 2026-01-27. Review status: criteria provided, single submitter. Criteria: Invitae Variant Classification Sherloc (09022015). Collection method: clinical testing. Allele origin: germline.
Comment: This sequence change replaces proline, which is neutral and non-polar, with threonine, which is neutral and polar, at codon 2522 of the APC protein (p.Pro2522Thr). This variant is present in population databases (rs371149405, gnomAD 0.003%). This missense change has been observed in individual(s) with prostate cancer (PMID: 29368341). ClinVar contains an entry for this variant (Variation ID: 219890). Invitae Evidence Modeling of protein sequence and biophysical properties (such as structural, functional, and spatial information, amino acid conservation, physicochemical variation, residue mobility, and thermodynamic stability) indicates that this missense variant is not expected to disrupt APC protein function with a negative predictive value of 95%. In summary, the available evidence is currently insufficient to determine the role of this variant in disease. Therefore, it has been classified as a Variant of Uncertain Significance.

Color Diagnostics, LLC DBA Color Health
Classification: Uncertain significance for Hereditary cancer-predisposing syndrome. Last evaluated: 2025-12-16. Review status: criteria provided, single submitter. Criteria: ACMG Guidelines, 2015. Collection method: clinical testing. Allele origin: germline.
Comment: This missense variant replaces proline with threonine at codon 2522 of the APC protein. Computational prediction suggests that this variant may not impact protein structure and function. To our knowledge, functional studies have not been reported for this variant. This variant has not been reported in individuals affected with APC-related disorders in the literature. This variant has been identified in 31/1613608 chromosomes in the general population by the Genome Aggregation Database (gnomAD). The available evidence is insufficient to determine the role of this variant in disease conclusively. Therefore, this variant is classified as a Variant of Uncertain Significance.

Quest Diagnostics Nichols Institute San Juan Capistrano
Classification: Uncertain significance. Last evaluated: 2025-07-23. Review status: criteria provided, single submitter. Criteria: Quest Diagnostics criteria. Collection method: clinical testing. Allele origin: unknown.
Comment: The APC c.7564C>A (p.Pro2522Thr) variant has been reported in the published literature in an individual with prostate cancer (PMID: 29368341 (2018)). The frequency of this variant in the general population (Genome Aggregation Database) is uninformative in the assessment of its pathogenicity. Analysis of this variant using bioinformatics tools for the prediction of the effect of amino acid changes on protein structure and function yielded conflicting predictions that this variant is benign or damaging. Based on the available information, we are unable to determine the clinical significance of this variant.

All of Us Research Program, National Institutes of Health
Classification: Uncertain significance for Classic or attenuated familial adenomatous polyposis. Last evaluated: 2024-08-13. Review status: criteria provided, single submitter. Criteria: ACMG Guidelines, 2015. Collection method: clinical testing. Allele origin: germline. Inheritance: Autosomal dominant inheritance. Observed: 6 variant alleles, 6 heterozygotes.
Comment: This missense variant replaces proline with threonine at codon 2522 of the APC protein. Computational prediction suggests that this variant may not impact protein structure and function (internally defined REVEL score threshold <= 0.5, PMID: 27666373). To our knowledge, functional studies have not been reported for this variant. This variant has not been reported in individuals affected with APC-related disorders in the literature. This variant has been identified in 3/250910 chromosomes in the general population by the Genome Aggregation Database (gnomAD). The available evidence is insufficient to determine the role of this variant in disease conclusively. Therefore, this variant is classified as a Variant of Uncertain Significance.

This study involves interpretation of variants in research participants for the purpose of population health screening. Participant phenotype was not available at the time of variant classification. Additional details can be found in publication PMID: 35346344, PMCID: PMC8962531

Baylor Genetics
Classification: Uncertain significance for Familial adenomatous polyposis 1. Last evaluated: 2023-09-02. Review status: criteria provided, single submitter. Criteria: ACMG Guidelines, 2015. Collection method: clinical testing. Allele origin: unknown.

Literature cited by the submitters: PubMed 29368341 (cited by 3 submitters).

NM_000038.6(APC):c.7564C>A (p.Pro2522Thr)

Gene: APC (APC regulator of Wnt signaling pathway; plus strand). Cytogenetic location: 5q22.2.
Variant type: single nucleotide variant.
Coding change: c.7564C>A on transcript NM_000038.6 (MANE Select); coding-DNA position 7564, C replaced by A.
Protein change: p.Pro2522Thr; replaces proline 2522 with threonine.
Molecular consequence: missense variant.
Genome position (GRCh38, 1-based): chr5:112,843,158, C>A. VCF-style: chr5-112843158-C-A. GRCh37 (hg19) VCF-style: chr5-112178855-C-A.
Other names: c.7564C>A, p.Pro2522Thr (NM_001127510.3, NM_001354895.2); c.7510C>A, p.Pro2504Thr (NM_001127511.3); c.7618C>A, p.Pro2540Thr (NM_001354896.2); c.7594C>A, p.Pro2532Thr (NM_001354897.2); c.7489C>A, p.Pro2497Thr (NM_001354898.2); c.7480C>A, p.Pro2494Thr (NM_001354899.2); c.7441C>A, p.Pro2481Thr (NM_001354900.2); c.7387C>A, p.Pro2463Thr (NM_001354901.2); and 5 more; short protein forms P2504T, P2522T, P2421T, P2494T, P2497T, P2540T, P2239T, P2463T.
Identifiers: ClinVar variation 219890 (VCV000219890.26), dbSNP rs371149405, ClinGen allele CA048449.